The following is an entry in ClinVar:

ClinVar aggregate classification (germline): Uncertain significance (1 of 4 stars; one submission).

Conditions:
BDP1-related disorder. Also called: BDP1-related condition.

gnomAD v4.1: 7 of 1,611,246 alleles (0.00043%); highest among the groups gnomAD compares: East Asian, 0.0045%; no homozygotes.

Submission:

PreventionGenetics, part of Exact Sciences
Classification: Uncertain significance for BDP1-related condition. Last evaluated: 2026-02-13. Review status: criteria provided, single submitter. Criteria: ACMG Guidelines, 2015. Collection method: clinical testing. Allele origin: germline.
Comment: The BDP1 c.835A>G variant is predicted to result in the amino acid substitution p.Asn279Asp. To our knowledge, this variant has not been reported in the literature. This variant is reported in 0.011% of alleles in individuals of East Asian descent in gnomAD. At this time, the clinical significance of this variant is uncertain due to the absence of conclusive functional and genetic evidence.

NM_018429.3(BDP1):c.835A>G (p.Asn279Asp)

Gene: BDP1 (BDP1 general transcription factor IIIB subunit; plus strand). Cytogenetic location: 5q13.2.
Variant type: single nucleotide variant.
Coding change: c.835A>G on transcript NM_018429.3 (MANE Select); coding-DNA position 835, A replaced by G.
Protein change: p.Asn279Asp; replaces asparagine 279 with aspartic acid.
Molecular consequence: missense variant.
Genome position (GRCh38, 1-based): chr5:71,467,403, A>G. VCF-style: chr5-71467403-A-G. GRCh37 (hg19) VCF-style: chr5-70763230-A-G.
Other names: short protein forms N279D.
Identifiers: ClinVar variation 4981361 (VCV004981361.1).